The following is an entry in ClinVar:

NM_001177316.2(SLC34A3):c.1484G>C (p.Gly495Ala)

Gene: SLC34A3 (solute carrier family 34 member 3; plus strand). Cytogenetic location: 9q34.3.
Variant type: single nucleotide variant.
Coding change: c.1484G>C on transcript NM_001177316.2 (MANE Select); coding-DNA position 1484, G replaced by C.
Protein change: p.Gly495Ala; replaces glycine 495 with alanine.
Molecular consequence: missense variant.
Genome position (GRCh38, 1-based): chr9:137,236,100, G>C. VCF-style: chr9-137236100-G-C. GRCh37 (hg19) VCF-style: chr9-140130552-G-C.
Other names: c.1484G>C, p.Gly495Ala (NM_001177317.2, NM_080877.3); short protein forms G495A.
Identifiers: ClinVar variation 502468 (VCV000502468.18), dbSNP rs140869490, ClinGen allele CA5364967.

ClinVar aggregate classification (germline): Conflicting classifications of pathogenicity. Review status: criteria provided, conflicting classifications (1 of 4 stars). 4 submissions from 4 submitters: Uncertain significance (1); Likely benign (2). 1 of the submissions does not count toward it. Last evaluated 2025-12-30.

Conditions:
SLC34A3-related disorder. Also called: SLC34A3-related condition.
Inborn genetic diseases. Identifiers: MedGen C0950123, MeSH D030342.

Allele frequency attached by ClinVar (database versions not stated): gnomAD exomes 0.00007 and 0.00024; ExAC 0.00027; gnomAD 0.00069 and 0.00072; TOPMed 0.00090; ESP Exome Variant Server 0.00093; 1000 Genomes Project 30x 0.00125; 1000 Genomes Project 0.00140.
gnomAD v4.1: 211 of 1,612,092 alleles (0.013%); highest among the groups gnomAD compares: African/African-American, 0.25%; no homozygotes.

Submissions (4):

Labcorp Genetics (formerly Invitae), Labcorp
Classification: Likely benign. Last evaluated: 2025-12-30. Review status: criteria provided, single submitter. Criteria: Invitae Variant Classification Sherloc (09022015). Collection method: clinical testing. Allele origin: germline.

Ambry Genetics
Classification: Likely benign for Inborn genetic diseases. Last evaluated: 2025-05-19. Review status: criteria provided, single submitter. Criteria: Ambry Variant Classification Scheme 2023. Collection method: clinical testing. Allele origin: germline.

Eurofins Ntd Llc (ga)
Classification: Uncertain significance. Last evaluated: 2017-06-15. Review status: criteria provided, single submitter. Criteria: EGL Classification Definitions 2015. Collection method: clinical testing. Allele origin: germline. Observed: 1 variant allele, 1 heterozygote.

PreventionGenetics, part of Exact Sciences
Classification: Likely benign for SLC34A3-related condition. Last evaluated: 2023-02-20. Review status: no assertion criteria provided. Collection method: clinical testing. Allele origin: germline. Not counted in ClinVar's aggregate classification.
Comment: This variant is classified as likely benign based on ACMG/AMP sequence variant interpretation guidelines (Richards et al. 2015 PMID: 25741868, with internal and published modifications).